The following is an entry in ClinVar:

ClinVar aggregate classification (germline): Uncertain significance (1 of 4 stars; one submission).

Conditions:
Neurofibromatosis, type 1 (NF1). Also called: VON RECKLINGHAUSEN DISEASE; NEUROFIBROMATOSIS, TYPE I, SOMATIC; Peripheral type neurofibromatosis; Neurofibromatosis, type I. Identifiers: Orphanet 636, MedGen C0027831, MONDO:0018975, OMIM 162200. Disease mechanism: loss of function.

Submission:

Labcorp Genetics (formerly Invitae), Labcorp
Classification: Uncertain significance for Neurofibromatosis, type 1. Last evaluated: 2018-08-18. Review status: criteria provided, single submitter. Criteria: Invitae Variant Classification Sherloc (09022015). Collection method: clinical testing. Allele origin: germline.
Comment: Algorithms developed to predict the effect of missense changes on protein structure and function (SIFT, PolyPhen-2, Align-GVGD) all suggest that this variant is likely to be tolerated, but these predictions have not been confirmed by published functional studies and their clinical significance is uncertain. This variant has not been reported in the literature in individuals with NF1-related disease. This variant is not present in population databases (ExAC no frequency). This sequence change replaces glycine with valine at codon 629 of the NF1 protein (p.Gly629Val). The glycine residue is moderately conserved and there is a moderate physicochemical difference between glycine and valine. Variants that disrupt the p.Gly629 amino acid residue in NF1 have been observed in affected individuals (PMID: 23913538, 24789688, 25324867, 12807981, 15060124, 8834249, 26056819). This suggests that it is a clinically significant residue, and that other variants that disrupt this residue are likely to be causative of disease. In summary, the available evidence is currently insufficient to determine the role of this variant in disease. Therefore, it has been classified as a Variant of Uncertain Significance.

Literature cited by the submitters: PubMed 23913538; PubMed 24789688; PubMed 25324867; PubMed 12807981; PubMed 15060124; PubMed 8834249; PubMed 26056819.

NM_001042492.3(NF1):c.1886G>T (p.Gly629Val)

Gene: NF1 (neurofibromin 1; plus strand). Cytogenetic location: 17q11.2.
Variant type: single nucleotide variant.
Coding change: c.1886G>T on transcript NM_001042492.3 (MANE Select); coding-DNA position 1886, G replaced by T.
Protein change: p.Gly629Val; replaces glycine 629 with valine.
Molecular consequence: missense variant.
Genome position (GRCh38, 1-based): chr17:31,225,135, G>T. VCF-style: chr17-31225135-G-T. GRCh37 (hg19) VCF-style: chr17-29552153-G-T.
Other names: c.1886G>T, p.Gly629Val (NM_000267.4); short protein forms G629V.
Identifiers: ClinVar variation 657597 (VCV000657597.5), dbSNP rs1597710440, ClinGen allele CA399005179.